The following is an entry in ClinVar:

ClinVar aggregate classification (germline): Uncertain significance. Review status: criteria provided, multiple submitters, no conflicts (2 of 4 stars). 3 submissions from 3 submitters: Uncertain significance (3). Last evaluated 2025-12-09.

Conditions:
Hereditary cancer-predisposing syndrome. Also called: Hereditary Cancer Syndrome; Neoplastic Syndromes, Hereditary; Tumor predisposition; Hereditary neoplastic syndrome. Identifiers: Orphanet 140162, MedGen C0027672, MeSH D009386, MONDO:0015356.
Fanconi anemia complementation group J. Also called: BRIP1-Related Fanconi Anemia. Identifiers: Orphanet 84, MedGen C1836860, MONDO:0012187, OMIM 609054.
Familial cancer of breast. Also called: Hereditary breast cancer; hereditary breast carcinoma; BREAST CANCER, FAMILIAL. Identifiers: Orphanet 227535, MedGen C0346153, MONDO:0016419, OMIM 114480. Disease mechanism: loss of function.

Allele frequency attached by ClinVar (database versions not stated): gnomAD exomes below 0.00001.
gnomAD v4.1: 1 of 1,613,544 alleles (0.000062%); highest among the groups gnomAD compares: South Asian, 0.0011%; no homozygotes.

Submissions (3):

Labcorp Genetics (formerly Invitae), Labcorp
Classification: Uncertain significance for Familial cancer of breast; Fanconi anemia complementation group J. Last evaluated: 2025-12-09. Review status: criteria provided, single submitter. Criteria: Invitae Variant Classification Sherloc (09022015). Collection method: clinical testing. Allele origin: germline.
Comment: This sequence change replaces alanine, which is neutral and non-polar, with valine, which is neutral and non-polar, at codon 402 of the BRIP1 protein (p.Ala402Val). This variant is not present in population databases (gnomAD no frequency). This variant has not been reported in the literature in individuals affected with BRIP1-related conditions. ClinVar contains an entry for this variant (Variation ID: 231658). Invitae Evidence Modeling of protein sequence and biophysical properties (such as structural, functional, and spatial information, amino acid conservation, physicochemical variation, residue mobility, and thermodynamic stability) has been performed for this missense variant. However, the output from this modeling did not meet the statistical confidence thresholds required to predict the impact of this variant on BRIP1 protein function. In summary, the available evidence is currently insufficient to determine the role of this variant in disease. Therefore, it has been classified as a Variant of Uncertain Significance.

Ambry Genetics
Classification: Uncertain significance for Hereditary cancer-predisposing syndrome. Last evaluated: 2025-10-15. Review status: criteria provided, single submitter. Criteria: Ambry Variant Classification Scheme 2023. Collection method: clinical testing. Allele origin: germline.
Comment: The p.A402V variant (also known as c.1205C>T), located in coding exon 8 of the BRIP1 gene, results from a C to T substitution at nucleotide position 1205. The alanine at codon 402 is replaced by valine, an amino acid with similar properties. This amino acid position is highly conserved in available vertebrate species. In addition, the in silico prediction for this alteration is inconclusive. Since supporting evidence is limited at this time, the clinical significance of this alteration remains unclear.

KCCC/NGS Laboratory, Kuwait Cancer Control Center
Classification: Uncertain significance for Familial cancer of breast. Last evaluated: 2025-03-09. Review status: criteria provided, single submitter. Criteria: ACMG Guidelines, 2015. Collection method: clinical testing. Allele origin: germline. Inheritance: Autosomal dominant inheritance. Affected: yes. Observed: 1 heterozygote.
Comment: This sequence change replaces alanine, which is neutral and non-polar, with valine, which is neutral and non-polar, at codon 402 of the BRIP1 protein (p.Ala402Val). This amino acid position is highly conserved. This variant is not present in population databases (gnomAD no frequency). This variant has not been reported in the literature in individuals affected with BRIP1-related conditions. ClinVar contains an entry for this variant (Variation ID: 231658). In addition, the in silico prediction for this alteration is inconclusive. In summary, the available evidence is currently insufficient to determine the role of this variant in disease. Therefore, it has been classified as a Variant of Uncertain Significance. Pathogenic/likely pathogenic variants in the BRIP1 gene cause susceptibility to breast cancer (OMIM 114480).

NM_032043.3(BRIP1):c.1205C>T (p.Ala402Val)

Gene: BRIP1 (BRCA1 interacting DNA helicase 1; minus strand). Cytogenetic location: 17q23.2.
Variant type: single nucleotide variant.
Coding change: c.1205C>T on transcript NM_032043.3 (MANE Select); coding-DNA position 1205, C replaced by T.
Protein change: p.Ala402Val; replaces alanine 402 with valine.
Molecular consequence: missense variant.
Genome position (GRCh38, 1-based): chr17:61,799,235, G>A on the plus strand (C>T on the coding strand, the complement: BRIP1 is on the minus strand). VCF-style: chr17-61799235-G-A. GRCh37 (hg19) VCF-style: chr17-59876596-G-A.
Other names: short protein forms A402V.
Identifiers: ClinVar variation 231658 (VCV000231658.15), dbSNP rs876659282, ClinGen allele CA10580843.